The following is an entry in ClinVar:

ClinVar aggregate classification (germline): Likely benign (1 of 4 stars; one submission).

Conditions:
MIPEP-related disorder. Also called: MIPEP-related condition.

gnomAD v4.1: 127 of 1,533,304 alleles (0.0083%); highest among the groups gnomAD compares: African/African-American, 0.12%; no homozygotes.

Submission:

PreventionGenetics, part of Exact Sciences
Classification: Likely benign for MIPEP-related condition. Last evaluated: 2026-04-08. Review status: criteria provided, single submitter. Criteria: ACMG Guidelines, 2015. Collection method: clinical testing. Allele origin: germline.
Comment: This variant is classified as likely benign based on ACMG/AMP sequence variant interpretation guidelines (Richards et al. 2015 PMID: 25741868, with internal and published modifications).

NM_005932.4(MIPEP):c.1053C>T (p.Ser351=)

Gene: MIPEP (mitochondrial intermediate peptidase; minus strand). Cytogenetic location: 13q12.12.
Variant type: single nucleotide variant.
Coding change: c.1053C>T on transcript NM_005932.4 (MANE Select); coding-DNA position 1053, C replaced by T.
Protein change: p.Ser351=; no amino-acid change (serine 351 retained).
Molecular consequence: synonymous variant.
Genome position (GRCh38, 1-based): chr13:23,862,302, G>A on the plus strand (C>T on the coding strand, the complement: MIPEP is on the minus strand). VCF-style: chr13-23862302-G-A. GRCh37 (hg19) VCF-style: chr13-24436441-G-A.
Identifiers: ClinVar variation 4981310 (VCV004981310.1).